The following is an entry in ClinVar:

ClinVar aggregate classification (germline): Uncertain significance (1 of 4 stars; one submission).

Submission:

Labcorp Genetics (formerly Invitae), Labcorp
Classification: Uncertain significance. Last evaluated: 2025-01-30. Review status: criteria provided, single submitter. Criteria: Invitae Variant Classification Sherloc (09022015). Collection method: clinical testing. Allele origin: germline.
Comment: This sequence change replaces serine, which is neutral and polar, with leucine, which is neutral and non-polar, at codon 1132 of the CFH protein (p.Ser1132Leu). This variant is not present in population databases (gnomAD no frequency). This variant has not been reported in the literature in individuals affected with CFH-related conditions. An algorithm developed to predict the effect of missense changes on protein structure and function (PolyPhen-2) suggests that this variant is likely to be disruptive. In summary, the available evidence is currently insufficient to determine the role of this variant in disease. Therefore, it has been classified as a Variant of Uncertain Significance.

NM_000186.4(CFH):c.3395C>T (p.Ser1132Leu)

Gene: CFH (complement factor H; plus strand). Cytogenetic location: 1q31.3.
Variant type: single nucleotide variant.
Coding change: c.3395C>T on transcript NM_000186.4 (MANE Select); coding-DNA position 3395, C replaced by T.
Protein change: p.Ser1132Leu; replaces serine 1132 with leucine.
Molecular consequence: missense variant.
Genome position (GRCh38, 1-based): chr1:196,745,901, C>T. VCF-style: chr1-196745901-C-T. GRCh37 (hg19) VCF-style: chr1-196715031-C-T.
Other names: short protein forms S1132L.
Identifiers: ClinVar variation 3632634 (VCV003632634.2).